The following is an entry in ClinVar:

NM_001369.3(DNAH5):c.2776_2777insGCATT (p.Thr926fs)

Genes: DNAH5 (dynein axonemal heavy chain 5; minus strand), DNAH5-AS1 (DNAH5 antisense RNA 1; plus strand). Cytogenetic location: 5p15.2.
Variant type: Insertion.
Coding change: c.2776_2777insGCATT on transcript NM_001369.3 (MANE Select); coding-DNA positions 2776 to 2777, GCATT inserted.
Protein change: p.Thr926fs; shifts the reading frame from threonine 926.
Molecular consequence: frameshift variant.
Genome position: GRCh38 VCF-style: chr5-13885195-G-GAATGC. GRCh37 (hg19) VCF-style: chr5-13885304-G-GAATGC.
Other names: short protein forms T926fs.
Identifiers: ClinVar variation 5010706 (VCV005010706.1).

ClinVar aggregate classification (germline): Pathogenic (1 of 4 stars; one submission).

Conditions:
Primary ciliary dyskinesia 3. Identifiers: Orphanet 244, MedGen C1837618, MONDO:0012085, OMIM 608644.

Submission:

Myriad Genetics, Inc.
Classification: Pathogenic for Primary ciliary dyskinesia 3. Last evaluated: 2024-05-14. Review status: criteria provided, single submitter. Criteria: Myriad Autosomal Dominant, Autosomal Recessive and X-Linked Classification Criteria (2023). Collection method: clinical testing. Allele origin: unknown.
Comment: NM_001369.2(DNAH5):c.2776_2777ins5(T926Sfs*15) is expected to be pathogenic in the context of primary ciliary dyskinesia, DNAH5-related. This variant is predicted to lead to an abnormal or absent protein product due to the creation of a premature termination codon in DNAH5, a gene where loss-of-function variants are known to be pathogenic. Please note: this variant was assessed in the context of healthy population screening.